The following is an entry in ClinVar:

ClinVar aggregate classification (germline): Uncertain significance. Review status: criteria provided, multiple submitters, no conflicts (2 of 4 stars). 2 submissions from 2 submitters: Uncertain significance (2). Last evaluated 2026-01-12.

Allele frequency attached by ClinVar (database versions not stated): ExAC 0.00001; gnomAD 0.00001; gnomAD exomes 0.00001; TOPMed 0.00001.
gnomAD v4.1: 13 of 1,614,050 alleles (0.00081%); highest among the groups gnomAD compares: Middle Eastern, 0.016%; no homozygotes.

Submissions (2):

Labcorp Genetics (formerly Invitae), Labcorp
Classification: Uncertain significance. Last evaluated: 2026-01-12. Review status: criteria provided, single submitter. Criteria: Invitae Variant Classification Sherloc (09022015). Collection method: clinical testing. Allele origin: germline.
Comment: This sequence change replaces valine, which is neutral and non-polar, with methionine, which is neutral and non-polar, at codon 1360 of the C2CD3 protein (p.Val1360Met). This variant is present in population databases (rs752075218, gnomAD 0.004%). This variant has not been reported in the literature in individuals affected with C2CD3-related conditions. ClinVar contains an entry for this variant (Variation ID: 1319754). Invitae Evidence Modeling of protein sequence and biophysical properties (such as structural, functional, and spatial information, amino acid conservation, physicochemical variation, residue mobility, and thermodynamic stability) indicates that this missense variant is expected to disrupt C2CD3 protein function with a positive predictive value of 80%. In summary, the available evidence is currently insufficient to determine the role of this variant in disease. Therefore, it has been classified as a Variant of Uncertain Significance.

Institute for Clinical Genetics, University Hospital TU Dresden, University Hospital TU Dresden
Classification: Uncertain significance. Last evaluated: 2021-11-03. Review status: criteria provided, single submitter. Criteria: ACMG Guidelines, 2015. Collection method: clinical testing. Allele origin: germline.

NM_001286577.2(C2CD3):c.4078G>A (p.Val1360Met)

Gene: C2CD3 (C2 domain containing 3 centriole elongation regulator; minus strand). Cytogenetic location: 11q13.4.
Variant type: single nucleotide variant.
Coding change: c.4078G>A on transcript NM_001286577.2 (MANE Select); coding-DNA position 4078, G replaced by A.
Protein change: p.Val1360Met; replaces valine 1360 with methionine.
Molecular consequence: missense variant.
Genome position (GRCh38, 1-based): chr11:74,078,640, C>T on the plus strand (G>A on the coding strand, the complement: C2CD3 is on the minus strand). VCF-style: chr11-74078640-C-T. GRCh37 (hg19) VCF-style: chr11-73789685-C-T.
Other names: c.4078G>A, p.Val1360Met (NM_015531.6); short protein forms V1360M.
Identifiers: ClinVar variation 1319754 (VCV001319754.7), dbSNP rs752075218, ClinGen allele CA6182208.